The following is an entry in ClinVar:

ClinVar aggregate classification (germline): Pathogenic (1 of 4 stars; one submission).

Submission:

GeneDx
Classification: Pathogenic. Last evaluated: 2024-04-24. Review status: criteria provided, single submitter. Criteria: GeneDx Variant Classification Process June 2021. Collection method: clinical testing. Allele origin: germline. Affected: yes.
Comment: Not observed at significant frequency in large population cohorts (gnomAD); In silico analysis supports that this missense variant has a deleterious effect on protein structure/function; Has not been previously published as pathogenic or benign to our knowledge

NM_000944.5(PPP3CA):c.274C>G (p.His92Asp)

Gene: PPP3CA (protein phosphatase 3 catalytic subunit alpha; minus strand). Cytogenetic location: 4q24.
Variant type: single nucleotide variant.
Coding change: c.274C>G on transcript NM_000944.5 (MANE Select); coding-DNA position 274, C replaced by G.
Protein change: p.His92Asp; replaces histidine 92 with aspartic acid.
Molecular consequence: missense variant.
Genome position (GRCh38, 1-based): chr4:101,109,064, G>C on the plus strand (C>G on the coding strand, the complement: PPP3CA is on the minus strand). VCF-style: chr4-101109064-G-C. GRCh37 (hg19) VCF-style: chr4-102030221-G-C.
Other names: c.274C>G, p.His92Asp (NM_001130691.2, NM_001130692.2); short protein forms H92D.
Identifiers: ClinVar variation 3252473 (VCV003252473.1), dbSNP rs2475951656.